The following is an entry in ClinVar:

NM_032040.5(CCDC8):c.1580C>T (p.Ala527Val)

Gene: CCDC8 (coiled-coil domain containing 8 subunit of 3M complex; minus strand). Cytogenetic location: 19q13.32.
Variant type: single nucleotide variant.
Coding change: c.1580C>T on transcript NM_032040.5 (MANE Select); coding-DNA position 1580, C replaced by T.
Protein change: p.Ala527Val; replaces alanine 527 with valine.
Molecular consequence: missense variant.
Genome position (GRCh38, 1-based): chr19:46,411,231, G>A on the plus strand (C>T on the coding strand, the complement: CCDC8 is on the minus strand). VCF-style: chr19-46411231-G-A. GRCh37 (hg19) VCF-style: chr19-46914488-G-A.
Other names: short protein forms A527V.
Identifiers: ClinVar variation 2456690 (VCV002456690.4), dbSNP rs376613571, ClinGen allele CA9528441.
Genomic context (GRCh38, chr19:46,411,231, plus strand): 5'-GTGGGCTGTCTCTAGCCCTCACCTCACAGCTGGTCTTCTTGCTCTCCCTGCTCAGCTTCT[G>A]CTCTGGCCTCGGCCCTCAGCACCCTGAGGTTCCTGGCCTCTCCTGCCCTGGGGACTCTCT-3'
Protein context (NP_114429.2, residues 517-537): NLRVLRAEAR[Ala527Val]EAEQGEQEDQ

ClinVar aggregate classification (germline): Uncertain significance. Review status: criteria provided, multiple submitters, no conflicts (2 of 4 stars). 2 submissions from 2 submitters: Uncertain significance (2). Last evaluated 2025-05-06.

Conditions:
Inborn genetic diseases. Identifiers: MedGen C0950123, MeSH D030342.

Allele frequency attached by ClinVar (database versions not stated): gnomAD 0.00001; gnomAD exomes 0.00002; TOPMed 0.00004; ExAC 0.00005.
gnomAD v4.1: 40 of 1,614,006 alleles (0.0025%); highest among the groups gnomAD compares: East Asian, 0.033%; no homozygotes.

Submissions (2):

Ambry Genetics
Classification: Uncertain significance for Inborn genetic diseases. Last evaluated: 2025-05-06. Review status: criteria provided, single submitter. Criteria: Ambry Variant Classification Scheme 2023. Collection method: clinical testing. Allele origin: germline.

Women's Health and Genetics/Laboratory Corporation of America, LabCorp
Classification: Uncertain significance. Last evaluated: 2024-06-14. Review status: criteria provided, single submitter. Criteria: LabCorp Variant Classification Summary - May 2015. Collection method: clinical testing. Allele origin: germline.
Comment: Variant summary: CCDC8 c.1580C>T (p.Ala527Val) results in a non-conservative amino acid change in the encoded protein sequence. Three of five in-silico tools predict a benign effect of the variant on protein function. The variant allele was found at a frequency of 6e-05 in 251414 control chromosomes. This frequency is not significantly higher than estimated for a pathogenic variant in CCDC8 causing Three M Syndrome 3 (6e-05 vs 0.0011), allowing no conclusion about variant significance. To our knowledge, no occurrence of c.1580C>T in individuals affected with Three M Syndrome 3 and no experimental evidence demonstrating its impact on protein function have been reported. ClinVar contains an entry for this variant (Variation ID: 2456690). Based on the evidence outlined above, the variant was classified as uncertain significance.